The following is an entry in ClinVar:

NM_024675.4(PALB2):c.2635A>G (p.Arg879Gly)

Gene: PALB2 (partner and localizer of BRCA2; minus strand). Cytogenetic location: 16p12.2.
Variant type: single nucleotide variant.
Coding change: c.2635A>G on transcript NM_024675.4 (MANE Select); coding-DNA position 2635, A replaced by G.
Protein change: p.Arg879Gly; replaces arginine 879 with glycine.
Molecular consequence: missense variant.
Genome position (GRCh38, 1-based): chr16:23,626,349, T>C on the plus strand (A>G on the coding strand, the complement: PALB2 is on the minus strand). VCF-style: chr16-23626349-T-C. GRCh37 (hg19) VCF-style: chr16-23637670-T-C.
Other names: short protein forms R879G.
Identifiers: ClinVar variation 484226 (VCV000484226.14), dbSNP rs1555459994, ClinGen allele CA395122159.

ClinVar aggregate classification (germline): Uncertain significance. Review status: criteria provided, multiple submitters, no conflicts (2 of 4 stars). 2 submissions from 2 submitters: Uncertain significance (2). Last evaluated 2024-06-14.

Conditions:
Familial cancer of breast. Also called: BREAST CANCER, FAMILIAL; Hereditary breast cancer; hereditary breast carcinoma. Identifiers: Orphanet 227535, MedGen C0346153, MONDO:0016419, OMIM 114480. Disease mechanism: loss of function.
Hereditary cancer-predisposing syndrome. Also called: Neoplastic Syndromes, Hereditary; Tumor predisposition; Hereditary Cancer Syndrome; Hereditary neoplastic syndrome. Identifiers: Orphanet 140162, MedGen C0027672, MeSH D009386, MONDO:0015356.

Allele frequency attached by ClinVar (database versions not stated): gnomAD exomes below 0.00001; TOPMed below 0.00001.
gnomAD v4.1: 1 of 1,614,212 alleles (0.000062%); highest among the groups gnomAD compares: Non-Finnish European, 0.000085%; no homozygotes.

Submissions (2):

Labcorp Genetics (formerly Invitae), Labcorp
Classification: Uncertain significance for Familial cancer of breast. Last evaluated: 2024-06-14. Review status: criteria provided, single submitter. Criteria: Invitae Variant Classification Sherloc (09022015). Collection method: clinical testing. Allele origin: germline.
Comment: This sequence change replaces arginine, which is basic and polar, with glycine, which is neutral and non-polar, at codon 879 of the PALB2 protein (p.Arg879Gly). This variant is not present in population databases (gnomAD no frequency). This variant has not been reported in the literature in individuals affected with PALB2-related conditions. ClinVar contains an entry for this variant (Variation ID: 484226). Advanced modeling of protein sequence and biophysical properties (such as structural, functional, and spatial information, amino acid conservation, physicochemical variation, residue mobility, and thermodynamic stability) performed at Invitae indicates that this missense variant is not expected to disrupt PALB2 protein function with a negative predictive value of 80%. In summary, the available evidence is currently insufficient to determine the role of this variant in disease. Therefore, it has been classified as a Variant of Uncertain Significance.

Ambry Genetics
Classification: Uncertain significance for Hereditary cancer-predisposing syndrome. Last evaluated: 2017-04-07. Review status: criteria provided, single submitter. Criteria: Ambry Variant Classification Scheme 2023. Collection method: clinical testing. Allele origin: germline.
Comment: The p.R879G variant (also known as c.2635A>G), located in coding exon 7 of the PALB2 gene, results from an A to G substitution at nucleotide position 2635. The arginine at codon 879 is replaced by glycine, an amino acid with dissimilar properties. This amino acid position is poorly conserved in available vertebrate species. In addition, this alteration is predicted to be tolerated by in silico analysis. Since supporting evidence is limited at this time, the clinical significance of this alteration remains unclear.